The following is an entry in ClinVar:

NM_002474.3(MYH11):c.5852C>T (p.Ala1951Val)

Genes: MYH11 (myosin heavy chain 11; minus strand), NDE1 (nudE neurodevelopment protein 1; plus strand). Cytogenetic location: 16p13.11.
Variant type: single nucleotide variant.
Coding change: c.5852C>T on transcript NM_002474.3 (MANE Select); coding-DNA position 5852, C replaced by T.
Protein change: p.Ala1951Val; replaces alanine 1951 with valine.
Molecular consequence: missense variant. On other transcripts: 3 prime UTR variant (2), intron variant (2).
Genome position (GRCh38, 1-based): chr16:15,704,058, G>A on the plus strand (C>T on the coding strand, the complement: MYH11 is on the minus strand). VCF-style: chr16-15704058-G-A. GRCh37 (hg19) VCF-style: chr16-15797915-G-A.
Other names: c.*74C>T (NM_001040113.2, NM_022844.3); c.5873C>T, p.Ala1958Val (NM_001040114.2); c.947+7198G>A (NM_001143979.2, NM_017668.3); short protein forms A1951V, A1958V.
Identifiers: ClinVar variation 920485 (VCV000920485.6), dbSNP rs769211342, ClinGen allele CA278582938.

ClinVar aggregate classification (germline): Conflicting classifications of pathogenicity. Review status: criteria provided, conflicting classifications (1 of 4 stars). 3 submissions from 3 submitters: Uncertain significance (2); Likely benign (1). Last evaluated 2022-11-02.

Conditions:
Familial thoracic aortic aneurysm and aortic dissection (TAAD). Also called: Thoracic aortic aneurysms and dissections. Identifiers: Orphanet 91387, MedGen C4707243, MONDO:0019625.

Allele frequency attached by ClinVar (database versions not stated): gnomAD exomes below 0.00001 and 0.00002; gnomAD 0.00001; TOPMed 0.00002.
gnomAD v4.1: 29 of 1,613,924 alleles (0.0018%); highest among the groups gnomAD compares: Non-Finnish European, 0.002%; no homozygotes.

Submissions (3):

Blueprint Genetics
Classification: Likely benign. Last evaluated: 2022-11-02. Review status: criteria provided, single submitter. Criteria: ACMG Guidelines, 2015. Collection method: clinical testing. Allele origin: germline.

Ambry Genetics
Classification: Uncertain significance for Familial thoracic aortic aneurysm and aortic dissection. Last evaluated: 2021-11-28. Review status: criteria provided, single submitter. Criteria: Ambry Variant Classification Scheme 2023. Collection method: clinical testing. Allele origin: germline.
Comment: The p.A1951V variant (also known as c.5852C>T), located in coding exon 40 of the MYH11 gene, results from a C to T substitution at nucleotide position 5852. The alanine at codon 1951 is replaced by valine, an amino acid with similar properties. This amino acid position is conserved. In addition, this alteration is predicted to be tolerated by in silico analysis. Since supporting evidence is limited at this time, the clinical significance of this alteration remains unclear.

Color Diagnostics, LLC DBA Color Health
Classification: Uncertain significance for Familial thoracic aortic aneurysm and aortic dissection. Last evaluated: 2019-09-23. Review status: criteria provided, single submitter. Criteria: ACMG Guidelines, 2015. Collection method: clinical testing. Allele origin: germline.
Comment: This variant is located in the 3' untranslated region of the MYH11 gene. To our knowledge, functional studies have not been performed for this variant. This variant has not been reported in individuals affected with cardiovascular disorders in the literature. This variant has been identified in 1/251480 chromosomes in the general population by the Genome Aggregation Database (gnomAD). The available evidence is insufficient to determine the role of this variant in disease conclusively. Therefore, this variant is classified as a Variant of Uncertain Significance.